The following is an entry in ClinVar:

NM_001330078.2(NRXN1):c.3431G>A (p.Arg1144Gln)

Gene: NRXN1 (neurexin 1; minus strand). Cytogenetic location: 2p16.3.
Variant type: single nucleotide variant.
Coding change: c.3431G>A on transcript NM_001330078.2 (MANE Select); coding-DNA position 3431, G replaced by A.
Protein change: p.Arg1144Gln; replaces arginine 1144 with glutamine.
Molecular consequence: missense variant.
Genome position (GRCh38, 1-based): chr2:50,236,904, C>T on the plus strand (G>A on the coding strand, the complement: NRXN1 is on the minus strand). VCF-style: chr2-50236904-C-T. GRCh37 (hg19) VCF-style: chr2-50464042-C-T.
Other names: c.3551G>A, p.Arg1184Gln (NM_001135659.3); c.3407G>A, p.Arg1136Gln (NM_001330077.2, NM_001330082.2); c.3365G>A, p.Arg1122Gln (NM_001330083.2, NM_001330084.2); c.3404G>A, p.Arg1135Gln (NM_001330085.2); c.3431G>A, p.Arg1144Gln (NM_001330086.2, NM_004801.6); c.3320G>A, p.Arg1107Gln (NM_001330087.2, NM_001330096.2); c.3350G>A, p.Arg1117Gln (NM_001330088.2); c.326G>A, p.Arg109Gln (NM_001330091.2, NM_001330092.2, NM_001330097.2 and 1 more transcripts); and 3 more; short protein forms R1107Q, R1144Q, R1117Q, R1122Q, R1140Q, R109Q, R1135Q, R1136Q.
Identifiers: ClinVar variation 3681934 (VCV003681934.2).

ClinVar aggregate classification (germline): Uncertain significance (1 of 4 stars; one submission).

Conditions:
Pitt-Hopkins-like syndrome 2 (PTHSL2). Identifiers: Orphanet 221150, Orphanet 600663, MedGen C3280479, MONDO:0013690, OMIM 614325.

gnomAD v4.1: 2 of 1,613,268 alleles (0.00012%); highest among the groups gnomAD compares: South Asian, 0.0011%; no homozygotes.

Submission:

Labcorp Genetics (formerly Invitae), Labcorp
Classification: Uncertain significance for Pitt-Hopkins-like syndrome 2. Last evaluated: 2024-08-20. Review status: criteria provided, single submitter. Criteria: Invitae Variant Classification Sherloc (09022015). Collection method: clinical testing. Allele origin: germline.
Comment: This sequence change replaces arginine, which is basic and polar, with glutamine, which is neutral and polar, at codon 1184 of the NRXN1 protein (p.Arg1184Gln). This variant is present in population databases (no rsID available, gnomAD 0.003%). This variant has not been reported in the literature in individuals affected with NRXN1-related conditions. Invitae Evidence Modeling of protein sequence and biophysical properties (such as structural, functional, and spatial information, amino acid conservation, physicochemical variation, residue mobility, and thermodynamic stability) indicates that this missense variant is not expected to disrupt NRXN1 protein function with a negative predictive value of 80%. In summary, the available evidence is currently insufficient to determine the role of this variant in disease. Therefore, it has been classified as a Variant of Uncertain Significance.